The following is an entry in ClinVar:

ClinVar aggregate classification (germline): Uncertain significance (1 of 4 stars; one submission).

Submission:

CeGaT Center for Human Genetics Tuebingen
Classification: Uncertain significance. Last evaluated: 2023-05-01. Review status: criteria provided, single submitter. Criteria: CeGaT Center For Human Genetics Tuebingen Variant Classification Criteria Version 2. Collection method: clinical testing. Allele origin: germline. Affected: yes. Observed: 1 variant allele.
Comment: IL1RAPL1: PM2

NM_014271.4(IL1RAPL1):c.1204A>G (p.Asn402Asp)

Gene: IL1RAPL1 (interleukin 1 receptor accessory protein like 1; plus strand). Cytogenetic location: Xp21.2.
Variant type: single nucleotide variant.
Coding change: c.1204A>G on transcript NM_014271.4 (MANE Select); coding-DNA position 1204, A replaced by G.
Protein change: p.Asn402Asp; replaces asparagine 402 with aspartic acid.
Molecular consequence: missense variant.
Genome position (GRCh38, 1-based): chrX:29,954,524, A>G. VCF-style: chrX-29954524-A-G. GRCh37 (hg19) VCF-style: chrX-29972641-A-G.
Other names: short protein forms N402D.
Identifiers: ClinVar variation 2571360 (VCV002571360.27), dbSNP rs2518940178, ClinGen allele CA412633674.
Genomic context (GRCh38, chrX:29,954,524, plus strand): 5'-TCCTATTGTTATCTTTGTAGAGTAGTGACTTCGACTTTTCTTTGGAATTTTTTGACAGAC[A>G]ATAAAGATTATGATGCATACTTATCATACACCAAAGTGGATCCTGACCAGTGGAATCAAG-3'
Protein context (NP_055086.1, residues 392-412): HFGAEELDGD[Asn402Asp]KDYDAYLSYT